The following is an entry in ClinVar:

NM_002218.5(ITIH4):c.2226T>C (p.Ser742=)

Gene: ITIH4 (inter-alpha-trypsin inhibitor heavy chain 4; minus strand). Cytogenetic location: 3p21.1.
Variant type: single nucleotide variant.
Coding change: c.2226T>C on transcript NM_002218.5 (MANE Select); coding-DNA position 2226, T replaced by C.
Protein change: p.Ser742=; no amino-acid change (serine 742 retained).
Molecular consequence: synonymous variant.
Genome position (GRCh38, 1-based): chr3:52,818,122, A>G on the plus strand (T>C on the coding strand, the complement: ITIH4 is on the minus strand). VCF-style: chr3-52818122-A-G. GRCh37 (hg19) VCF-style: chr3-52852138-A-G.
Other names: c.2136T>C, p.Ser712= (NM_001166449.2).
Identifiers: ClinVar variation 3059195 (VCV003059195.2), dbSNP rs2245536, ClinGen allele CA2449042.

ClinVar aggregate classification (germline): Benign (0 of 4 stars; one submission).

Conditions:
ITIH4-related disorder. Also called: ITIH4-related condition.

Allele frequency attached by ClinVar (database versions not stated): ExAC 0.06485; gnomAD 0.11054; ESP Exome Variant Server 0.11625; TOPMed 0.11937; 1000 Genomes Project 0.17093; 1000 Genomes Project 30x 0.17614.

Submission:

PreventionGenetics, part of Exact Sciences
Classification: Benign for ITIH4-related condition. Last evaluated: 2019-11-06. Review status: no assertion criteria provided. Collection method: clinical testing. Allele origin: germline.
Comment: This variant is classified as benign based on ACMG/AMP sequence variant interpretation guidelines (Richards et al. 2015 PMID: 25741868, with internal and published modifications).